The following is an entry in ClinVar:

NM_007294.4(BRCA1):c.846dup (p.Leu283fs)

Gene: BRCA1 (BRCA1 DNA repair associated; minus strand). Cytogenetic location: 17q21.31.
Variant type: Duplication.
Coding change: c.846dup on transcript NM_007294.4 (MANE Select); coding-DNA position 846, one base duplicated (A; older notation c.846dupA).
Protein change: p.Leu283fs; shifts the reading frame from leucine 283.
Molecular consequence: frameshift variant. On other transcripts: 5 prime UTR variant (2), intron variant (137).
Genome position (GRCh38, 1-based): chr17:43,094,685, T duplicated on the plus strand (A on the coding strand, the reverse complement: BRCA1 is on the minus strand). VCF-style (leftmost placement, unchanged base first): chr17-43094684-A-AT. GRCh37 (hg19) VCF-style: chr17-41246701-A-AT.
Other names: c.513dup, p.Leu172fs (NM_001407952.1, NM_001407953.1, NM_001407957.1 and 6 more transcripts); c.510dup, p.Leu171fs (NM_001407954.1, NM_001407955.1, NM_001407956.1 and 1 more transcripts); c.465dup, p.Leu156fs (NM_001407959.1, NM_001407960.1, NM_001407963.1); c.462dup, p.Leu155fs (NM_001407962.1); c.702dup, p.Leu235fs (NM_001407964.1, NM_001407943.1, NM_001407740.1 and 20 more transcripts); c.342dup, p.Leu115fs (NM_001407965.1); c.-43dup (NM_001407966.1, NM_001407967.1); c.633dup, p.Leu212fs (NM_001407916.1, NM_001407917.1, NM_001407918.1 and 9 more transcripts); and 40 more; short protein forms L115fs, L155fs, L156fs, L171fs, L172fs, L194fs, L195fs, L212fs.
Identifiers: ClinVar variation 2573268 (VCV002573268.1), dbSNP rs2552228541, ClinGen allele CA2580612632.
Genomic context (GRCh38, chr17:43,094,684, plus strand): 5'-CAGCCTTTTCTACATTCATTCTGTCTTTAGTGAGTAATAAACTGCTGTTCTCATGCTGTA[A>AT]TGAGCTGGCATGAGTATTTGTGCCACATGGCTCCACATGCAAGTTTGAAACAGAACTACC-3'

ClinVar aggregate classification (germline): Pathogenic (1 of 4 stars; one submission).

Conditions:
Breast-ovarian cancer, familial, susceptibility to, 1 (BROVCA1). Also called: BRCA1 Hereditary Breast and Ovarian Cancer; OVARIAN CANCER, SUSCEPTIBILITY TO. Identifiers: Orphanet 145, MedGen C2676676, MONDO:0011450, OMIM 604370. Disease mechanism: loss of function.

Submission:

Myriad Genetics, Inc.
Classification: Pathogenic for Breast-ovarian cancer, familial, susceptibility to, 1. Last evaluated: 2023-04-10. Review status: criteria provided, single submitter. Criteria: Myriad Autosomal Dominant, Autosomal Recessive and X-Linked Classification Criteria (2023). Collection method: clinical testing. Allele origin: unknown.
Comment: This variant is considered pathogenic. This variant creates a frameshift predicted to result in premature protein truncation.